The following is an entry in ClinVar:

ClinVar aggregate classification (germline): Uncertain significance. Review status: criteria provided, multiple submitters, no conflicts (2 of 4 stars). 3 submissions from 3 submitters: Uncertain significance (3). Last evaluated 2024-01-08.

Conditions:
Eichsfeld type congenital muscular dystrophy (CMYO3). Also called: Rigid spine muscular dystrophy 1; MYOPATHY, SEPN1-RELATED; SELENON-related myopathy; Congenital myopathy 3 with rigid spine. Identifiers: MedGen C0410180, MONDO:0100100, OMIM 602771.
Inborn genetic diseases. Identifiers: MedGen C0950123, MeSH D030342.

Allele frequency attached by ClinVar (database versions not stated): ExAC 0.00001; gnomAD exomes 0.00001; TOPMed 0.00001; gnomAD 0.00006.

Submissions (3):

Ambry Genetics
Classification: Uncertain significance for Inborn genetic diseases. Last evaluated: 2024-01-08. Review status: criteria provided, single submitter. Criteria: Ambry Variant Classification Scheme 2023. Collection method: clinical testing. Allele origin: germline.

Labcorp Genetics (formerly Invitae), Labcorp
Classification: Uncertain significance for Eichsfeld type congenital muscular dystrophy. Last evaluated: 2022-08-03. Review status: criteria provided, single submitter. Criteria: Invitae Variant Classification Sherloc (09022015). Collection method: clinical testing. Allele origin: germline.
Comment: This sequence change replaces glycine, which is neutral and non-polar, with serine, which is neutral and polar, at codon 360 of the SELENON protein (p.Gly360Ser). This variant is present in population databases (rs761873230, gnomAD 0.004%). This variant has not been reported in the literature in individuals affected with SELENON-related conditions. ClinVar contains an entry for this variant (Variation ID: 530811). Algorithms developed to predict the effect of missense changes on protein structure and function (SIFT, PolyPhen-2, Align-GVGD) all suggest that this variant is likely to be disruptive. In summary, the available evidence is currently insufficient to determine the role of this variant in disease. Therefore, it has been classified as a Variant of Uncertain Significance.

Revvity Omics, Revvity
Classification: Uncertain significance for Eichsfeld type congenital muscular dystrophy. Last evaluated: 2022-08-02. Review status: criteria provided, single submitter. Criteria: ACMG Guidelines, 2015. Collection method: clinical testing. Allele origin: germline.

NM_206926.2(SELENON):c.976G>A (p.Gly326Ser)

Gene: SELENON (selenoprotein N; plus strand). Cytogenetic location: 1p36.11.
Variant type: single nucleotide variant.
Coding change: c.976G>A on transcript NM_206926.2 (MANE Select); coding-DNA position 976, G replaced by A.
Protein change: p.Gly326Ser; replaces glycine 326 with serine.
Molecular consequence: missense variant.
Genome position (GRCh38, 1-based): chr1:25,811,521, G>A. VCF-style: chr1-25811521-G-A. GRCh37 (hg19) VCF-style: chr1-26138012-G-A.
Other names: c.1078G>A, p.Gly360Ser (NM_020451.3); short protein forms G360S, G326S.
Identifiers: ClinVar variation 530811 (VCV000530811.10), dbSNP rs761873230, ClinGen allele CA696735.
Genomic context (GRCh38, chr1:25,811,521, plus strand): 5'-AATGTGGACATGGAGTGGCTTTACGGGGCCAGTGAAAGCAGCAACATGGAGGTGGACATC[G>A]GCTACATACCCCAGGTGAGCGCACAGGAGGCTCCCATCCAGGTGGGCTCGGCTGCAGGGC-3'
Protein context (NP_996809.1, residues 316-336): SESSNMEVDI[Gly326Ser]YIPQMELEAT